The following is an entry in ClinVar:

NM_003738.5(PTCH2):c.527T>G (p.Met176Arg)

Gene: PTCH2 (patched 2; minus strand). Cytogenetic location: 1p34.1.
Variant type: single nucleotide variant.
Coding change: c.527T>G on transcript NM_003738.5 (MANE Select); coding-DNA position 527, T replaced by G.
Protein change: p.Met176Arg; replaces methionine 176 with arginine.
Molecular consequence: missense variant.
Genome position (GRCh38, 1-based): chr1:44,831,796, A>C on the plus strand (T>G on the coding strand, the complement: PTCH2 is on the minus strand). VCF-style: chr1-44831796-A-C. GRCh37 (hg19) VCF-style: chr1-45297468-A-C.
Other names: c.527T>G, p.Met176Arg (NM_001166292.2); short protein forms M176R.
Identifiers: ClinVar variation 1428236 (VCV001428236.8), dbSNP rs571129554, ClinGen allele CA21750376.

ClinVar aggregate classification (germline): Uncertain significance (1 of 4 stars; one submission).

Conditions:
Gorlin syndrome. Also called: Nevoid Basal Cell Carcinoma Syndrome; Basal cell nevus syndrome. Identifiers: Orphanet 377, MedGen C0004779, MONDO:0007187.

Allele frequency attached by ClinVar (database versions not stated): gnomAD exomes below 0.00001 and 0.00001; TOPMed below 0.00001.

Submission:

Labcorp Genetics (formerly Invitae), Labcorp
Classification: Uncertain significance for Gorlin syndrome. Last evaluated: 2021-06-19. Review status: criteria provided, single submitter. Criteria: Invitae Variant Classification Sherloc (09022015). Collection method: clinical testing. Allele origin: germline.
Comment: In summary, the available evidence is currently insufficient to determine the role of this variant in disease. Therefore, it has been classified as a Variant of Uncertain Significance. This sequence change replaces methionine with arginine at codon 176 of the PTCH2 protein (p.Met176Arg). The methionine residue is moderately conserved and there is a moderate physicochemical difference between methionine and arginine. This variant is not present in population databases (ExAC no frequency). This variant has not been reported in the literature in individuals with PTCH2-related conditions. Algorithms developed to predict the effect of missense changes on protein structure and function are either unavailable or do not agree on the potential impact of this missense change (SIFT: "Deleterious"; PolyPhen-2: "Benign"; Align-GVGD: "Class C0").